The following is an entry in ClinVar:

ClinVar aggregate classification (germline): Uncertain significance. Review status: criteria provided, multiple submitters, no conflicts (2 of 4 stars). 3 submissions from 3 submitters: Uncertain significance (3). Last evaluated 2025-06-12.

Conditions:
Inborn genetic diseases. Identifiers: MedGen C0950123, MeSH D030342.

Allele frequency attached by ClinVar (database versions not stated): gnomAD exomes below 0.00001; gnomAD 0.00002; TOPMed 0.00002.
gnomAD v4.1: 7 of 1,613,886 alleles (0.00043%); highest among the groups gnomAD compares: East Asian, 0.0067%; no homozygotes.

Submissions (3):

Mayo Clinic Laboratories, Mayo Clinic
Classification: Uncertain significance. Last evaluated: 2025-06-12. Review status: criteria provided, single submitter. Criteria: ACMG Guidelines, 2015. Collection method: clinical testing. Allele origin: germline. Observed: 1 variant allele.
Comment: BP4

Ambry Genetics
Classification: Uncertain significance for Inborn genetic diseases. Last evaluated: 2025-01-27. Review status: criteria provided, single submitter. Criteria: Ambry Variant Classification Scheme 2023. Collection method: clinical testing. Allele origin: germline.
Comment: The p.L142S variant (also known as c.425T>C), located in coding exon 1 of the SAMD9L gene, results from a T to C substitution at nucleotide position 425. The leucine at codon 142 is replaced by serine, an amino acid with dissimilar properties. This amino acid position is conserved. In addition, this alteration is predicted to be tolerated by in silico analysis. Based on the available evidence, the clinical significance of this variant remains unclear.

Labcorp Genetics (formerly Invitae), Labcorp
Classification: Uncertain significance. Last evaluated: 2023-10-23. Review status: criteria provided, single submitter. Criteria: Invitae Variant Classification Sherloc (09022015). Collection method: clinical testing. Allele origin: germline.
Comment: This sequence change replaces leucine, which is neutral and non-polar, with serine, which is neutral and polar, at codon 142 of the SAMD9L protein (p.Leu142Ser). This variant is present in population databases (no rsID available, gnomAD 0.005%). This variant has not been reported in the literature in individuals affected with SAMD9L-related conditions. An algorithm developed to predict the effect of missense changes on protein structure and function (PolyPhen-2) suggests that this variant is likely to be tolerated. In summary, the available evidence is currently insufficient to determine the role of this variant in disease. Therefore, it has been classified as a Variant of Uncertain Significance.

NM_152703.5(SAMD9L):c.425T>C (p.Leu142Ser)

Gene: SAMD9L (sterile alpha motif domain containing 9 like; minus strand). Cytogenetic location: 7q21.2.
Variant type: single nucleotide variant.
Coding change: c.425T>C on transcript NM_152703.5 (MANE Select); coding-DNA position 425, T replaced by C.
Protein change: p.Leu142Ser; replaces leucine 142 with serine.
Molecular consequence: missense variant.
Genome position (GRCh38, 1-based): chr7:93,135,547, A>G on the plus strand (T>C on the coding strand, the complement: SAMD9L is on the minus strand). VCF-style: chr7-93135547-A-G. GRCh37 (hg19) VCF-style: chr7-92764860-A-G.
Other names: p.Leu142Ser; c.425T>C (NM_152703.2); c.425T>C, p.Leu142Ser (NM_001303496.3, NM_001303497.3, NM_001303498.3 and 5 more transcripts); short protein forms L142S.
Identifiers: ClinVar variation 2960981 (VCV002960981.6), dbSNP rs1429638102, ClinGen allele CA368203375.